The following is an entry in ClinVar:

ClinVar aggregate classification (germline): Conflicting classifications of pathogenicity. Review status: criteria provided, conflicting classifications (1 of 4 stars). 3 submissions from 3 submitters: Likely pathogenic (1); Uncertain significance (1). 1 of the submissions does not count toward it. Last evaluated 2022-04-25.

Conditions:
Fibrosis, neurodegeneration, and cerebral angiomatosis. Also called: Fibrosis-neurodegeneration-cerebral angiomatosis syndrome. Identifiers: Orphanet 621758, MedGen C4748939, MONDO:0032651, OMIM 618278.

Submissions (3):

Institute of Human Genetics, University of Leipzig Medical Center
Classification: Uncertain significance for Fibrosis, neurodegeneration, and cerebral angiomatosis. Last evaluated: 2022-04-25. Review status: criteria provided, single submitter. Criteria: ACMG Guidelines, 2015. Collection method: clinical testing. Allele origin: inherited. Inheritance: Autosomal recessive inheritance. Affected: yes.
Comment: Criteria applied: PVS1_MOD,PM2_SUP,PM3_SUP

Institute for Medical Genetics and Human Genetics, Charité - Universitätsmedizin Berlin
Classification: Likely pathogenic for Fibrosis, neurodegeneration, and cerebral angiomatosis. Review status: criteria provided, single submitter. Criteria: ACMG Assertion Criteria. Collection method: research. Allele origin: germline. Inheritance: Autosomal recessive inheritance. Affected: yes.

OMIM
Classification: Pathogenic for FIBROSIS, NEURODEGENERATION, AND CEREBRAL ANGIOMATOSIS. Last evaluated: 2023-06-20. Review status: no assertion criteria provided. Collection method: literature only. Allele origin: germline. Not counted in ClinVar's aggregate classification.

Literature cited by the submitters: PubMed 37188825 (cited by OMIM).

NM_198514.4(NHLRC2):c.1A>G (p.Met1Val)

Genes: NHLRC2 (NHL repeat containing 2; plus strand), LOC130004775 (ATAC-STARR-seq lymphoblastoid silent region 2838; plus strand). Cytogenetic location: 10q25.3.
Variant type: single nucleotide variant.
Coding change: c.1A>G on transcript NM_198514.4 (MANE Select); coding-DNA position 1, A replaced by G.
Protein change: p.Met1Val; changes the start codon (methionine 1).
Molecular consequence: missense variant, initiator codon variant.
Genome position (GRCh38, 1-based): chr10:113,854,873, A>G. VCF-style: chr10-113854873-A-G. GRCh37 (hg19) VCF-style: chr10-115614632-A-G.
Other names: short protein forms M1V.
Identifiers: ClinVar variation 1679135 (VCV001679135.6), dbSNP rs2134678958, ClinGen allele CA378454211.